The following is an entry in ClinVar:

ClinVar aggregate classification (germline): Uncertain significance. Review status: criteria provided, multiple submitters, no conflicts (2 of 4 stars). 3 submissions from 3 submitters: Uncertain significance (3). Last evaluated 2024-12-23.

Conditions:
Hereditary sensory and autonomic neuropathy with spastic paraplegia (HSNSP). Identifiers: Orphanet 139578, MedGen C1850395, MONDO:0009748, OMIM 256840.

Allele frequency attached by ClinVar (database versions not stated): ExAC 0.00003; gnomAD exomes 0.00005; TOPMed 0.00005; gnomAD 0.00006; ESP Exome Variant Server 0.00015.

Submissions (3):

Labcorp Genetics (formerly Invitae), Labcorp
Classification: Uncertain significance for Hereditary sensory and autonomic neuropathy with spastic paraplegia. Last evaluated: 2024-12-23. Review status: criteria provided, single submitter. Criteria: Invitae Variant Classification Sherloc (09022015). Collection method: clinical testing. Allele origin: germline.
Comment: This sequence change replaces glutamic acid, which is acidic and polar, with lysine, which is basic and polar, at codon 351 of the CCT5 protein (p.Glu351Lys). This variant is present in population databases (rs140095139, gnomAD 0.009%). This variant has not been reported in the literature in individuals affected with CCT5-related conditions. ClinVar contains an entry for this variant (Variation ID: 533941). Invitae Evidence Modeling of protein sequence and biophysical properties (such as structural, functional, and spatial information, amino acid conservation, physicochemical variation, residue mobility, and thermodynamic stability) indicates that this missense variant is not expected to disrupt CCT5 protein function with a negative predictive value of 80%. In summary, the available evidence is currently insufficient to determine the role of this variant in disease. Therefore, it has been classified as a Variant of Uncertain Significance.

Blueprint Genetics
Classification: Uncertain significance. Last evaluated: 2021-08-18. Review status: criteria provided, single submitter. Criteria: ACMG Guidelines, 2015. Collection method: clinical testing. Allele origin: germline.

Mayo Clinic Laboratories, Mayo Clinic
Classification: Uncertain significance. Last evaluated: 2019-10-27. Review status: criteria provided, single submitter. Criteria: ACMG Guidelines, 2015. Collection method: clinical testing. Allele origin: germline. Observed: 1 variant allele.

NM_012073.5(CCT5):c.1051G>A (p.Glu351Lys)

Gene: CCT5 (chaperonin containing TCP1 subunit 5; plus strand). Cytogenetic location: 5p15.2.
Variant type: single nucleotide variant.
Coding change: c.1051G>A on transcript NM_012073.5 (MANE Select); coding-DNA position 1051, G replaced by A.
Protein change: p.Glu351Lys; replaces glutamic acid 351 with lysine.
Molecular consequence: missense variant.
Genome position (GRCh38, 1-based): chr5:10,261,617, G>A. VCF-style: chr5-10261617-G-A. GRCh37 (hg19) VCF-style: chr5-10261729-G-A.
Other names: c.988G>A, p.Glu330Lys (NM_001306153.1); c.886G>A, p.Glu296Lys (NM_001306154.2); c.772G>A, p.Glu258Lys (NM_001306155.2); c.937G>A, p.Glu313Lys (NM_001306156.2); short protein forms E351K, E258K, E296K, E313K, E330K.
Identifiers: ClinVar variation 533941 (VCV000533941.16), dbSNP rs140095139, ClinGen allele CA3198243.